The following is an entry in ClinVar:

ClinVar aggregate classification (germline): Conflicting classifications of pathogenicity. Review status: criteria provided, conflicting classifications (1 of 4 stars). 2 submissions from 2 submitters: Uncertain significance (1); Likely benign (1). Last evaluated 2025-12-01.

Conditions:
Inborn genetic diseases. Identifiers: MedGen C0950123, MeSH D030342.
Neutropenia, severe congenital, 1, autosomal dominant. Identifiers: MedGen C1859966, MONDO:0042490, OMIM 202700.
Cyclical neutropenia. Also called: Cyclic hematopoiesis; Cyclic Neutropenia. Identifiers: Orphanet 2686, MedGen C0221023, MONDO:0008090, OMIM 162800, HP:0040289. Disease mechanism: loss of function.

gnomAD v4.1: 5 of 1,608,706 alleles (0.00031%); highest among the groups gnomAD compares: Admixed American, 0.0083%; no homozygotes.

Submissions (2):

Labcorp Genetics (formerly Invitae), Labcorp
Classification: Uncertain significance for Neutropenia, severe congenital, 1, autosomal dominant; Cyclical neutropenia. Last evaluated: 2025-12-01. Review status: criteria provided, single submitter. Criteria: Invitae Variant Classification Sherloc (09022015). Collection method: clinical testing. Allele origin: germline.
Comment: This sequence change replaces leucine, which is neutral and non-polar, with arginine, which is basic and polar, at codon 159 of the ELANE protein (p.Leu159Arg). This variant is present in population databases (rs766413616, gnomAD 0.01%). This variant has not been reported in the literature in individuals affected with ELANE-related conditions. ClinVar contains an entry for this variant (Variation ID: 3756930). An algorithm developed to predict the effect of missense changes on protein structure and function outputs the following: PolyPhen-2: "Benign". The arginine amino acid residue is found in multiple mammalian species, which suggests that this missense change does not adversely affect protein function. In summary, the available evidence is currently insufficient to determine the role of this variant in disease. Therefore, it has been classified as a Variant of Uncertain Significance.

Ambry Genetics
Classification: Likely benign for Inborn genetic diseases. Last evaluated: 2025-02-05. Review status: criteria provided, single submitter. Criteria: Ambry Variant Classification Scheme 2023. Collection method: clinical testing. Allele origin: germline.

NM_001972.4(ELANE):c.476T>G (p.Leu159Arg)

Gene: ELANE (elastase, neutrophil expressed; plus strand). Cytogenetic location: 19p13.3.
Variant type: single nucleotide variant.
Coding change: c.476T>G on transcript NM_001972.4 (MANE Select); coding-DNA position 476, T replaced by G.
Protein change: p.Leu159Arg; replaces leucine 159 with arginine.
Molecular consequence: missense variant.
Genome position (GRCh38, 1-based): chr19:855,673, T>G. VCF-style: chr19-855673-T-G. GRCh37 (hg19) VCF-style: chr19-855673-T-G.
Other names: short protein forms L159R.
Identifiers: ClinVar variation 3756930 (VCV003756930.3).